The following is an entry in ClinVar:

NM_018238.4(AGK):c.388G>T (p.Glu130Ter)

Gene: AGK (acylglycerol kinase; plus strand). Cytogenetic location: 7q34.
Variant type: single nucleotide variant.
Coding change: c.388G>T on transcript NM_018238.4 (MANE Select); coding-DNA position 388, G replaced by T.
Protein change: p.Glu130Ter; replaces glutamic acid 130 with a stop codon.
Molecular consequence: nonsense.
Genome position (GRCh38, 1-based): chr7:141,611,285, G>T. VCF-style: chr7-141611285-G-T. GRCh37 (hg19) VCF-style: chr7-141311085-G-T.
Other names: c.388G>T, p.Glu130Ter (NM_001364948.3); short protein forms E130*.
Identifiers: ClinVar variation 2947480 (VCV002947480.4), dbSNP rs2485379466, ClinGen allele CA369549862.

ClinVar aggregate classification (germline): Pathogenic (1 of 4 stars; one submission).

Conditions:
Sengers syndrome. Also called: MITOCHONDRIAL DNA DEPLETION SYNDROME 10 (CARDIOMYOPATHIC TYPE); Cardiomyopathy and cataract. Identifiers: Orphanet 1369, MedGen C1859317, MONDO:0008922, OMIM 212350.
Cataract 38. Also called: Cataract, autosomal recessive congenital 5; Cataract 38, autosomal recessive. Identifiers: Orphanet 91492, MedGen C3553494, MONDO:0013859, OMIM 614691.

Submissions (2):

Labcorp Genetics (formerly Invitae), Labcorp
Classification: Pathogenic for Sengers syndrome; Cataract 38. Last evaluated: 2023-05-05. Review status: criteria provided, single submitter. Criteria: Invitae Variant Classification Sherloc (09022015). Collection method: clinical testing. Allele origin: germline.
Comment: This variant is not present in population databases (gnomAD no frequency). This variant has not been reported in the literature in individuals affected with AGK-related conditions. Algorithms developed to predict the effect of sequence changes on RNA splicing suggest that this variant may create or strengthen a splice site. For these reasons, this variant has been classified as Pathogenic. This sequence change creates a premature translational stop signal (p.Glu130*) in the AGK gene. It is expected to result in an absent or disrupted protein product. Loss-of-function variants in AGK are known to be pathogenic (PMID: 22284826).

Dr. Peter K. Rogan Lab, Western University
No classification provided (evidence only). Condition: Thyroid cancer, nonmedullary, 1. Review status: no classification provided. Collection method: in vitro. Allele origin: not applicable. Functional consequence: retained intron. Not counted in ClinVar's aggregate classification.

Literature cited by the submitters: PubMed 22284826 (cited by Labcorp Genetics (formerly Invitae), Labcorp).